The following is an entry in ClinVar:

ClinVar aggregate classification (germline): Likely pathogenic (1 of 4 stars; one submission).

Conditions:
Cortical dysplasia, complex, with other brain malformations 13. Also called: Intellectual disability, autosomal dominant 13. Identifiers: MedGen C3281202, MONDO:0013805, OMIM 614563.

Submission:

Institute of Immunology and Genetics Kaiserslautern
Classification: Likely pathogenic for Cortical dysplasia, complex, with other brain malformations 13. Last evaluated: 2024-09-23. Review status: criteria provided, single submitter. Criteria: ACMG Guidelines, 2015. Collection method: clinical testing. Allele origin: germline. Affected: yes.
Comment: ACMG Criteria: PP3, PM1, PM2, PM5_P; Variant was found in heterozygous state.

NM_001376.5(DYNC1H1):c.3281A>G (p.Asp1094Gly)

Gene: DYNC1H1 (dynein cytoplasmic 1 heavy chain 1; plus strand). Cytogenetic location: 14q32.31.
Variant type: single nucleotide variant.
Coding change: c.3281A>G on transcript NM_001376.5 (MANE Select); coding-DNA position 3281, A replaced by G.
Protein change: p.Asp1094Gly; replaces aspartic acid 1094 with glycine.
Molecular consequence: missense variant.
Genome position (GRCh38, 1-based): chr14:101,994,797, A>G. VCF-style: chr14-101994797-A-G. GRCh37 (hg19) VCF-style: chr14-102461134-A-G.
Other names: short protein forms D1094G.
Identifiers: ClinVar variation 3366944 (VCV003366944.1).
Genomic context (GRCh38, chr14:101,994,797, plus strand): 5'-AAGATCTCAACAAATGGCAGGCTCTCCTGGTCCAAATAAGGAAGGCCAGAGGAACCTTTG[A>G]CAATGCAGAAACCAAGAAAGAGTTTGGACCAGTAGTTATAGATTATGGCAAGGTGAGCCC-3'
Protein context (NP_001367.2, residues 1084-1104): VQIRKARGTF[Asp1094Gly]NAETKKEFGP